The following is an entry in ClinVar:

ClinVar aggregate classification (germline): Benign/Likely benign. Review status: criteria provided, multiple submitters, no conflicts (2 of 4 stars). 3 submissions from 3 submitters: Benign (1); Likely benign (2). Last evaluated 2026-05-20.

Conditions:
Neurofibromatosis, type 1 (NF1). Also called: VON RECKLINGHAUSEN DISEASE; NEUROFIBROMATOSIS, TYPE I, SOMATIC; Neurofibromatosis, type I; Peripheral type neurofibromatosis. Identifiers: Orphanet 636, MedGen C0027831, MONDO:0018975, OMIM 162200. Disease mechanism: loss of function.
Cardiovascular phenotype. Identifiers: MedGen CN230736.
Hereditary cancer-predisposing syndrome. Also called: Neoplastic Syndromes, Hereditary; Tumor predisposition; Hereditary neoplastic syndrome; Hereditary Cancer Syndrome. Identifiers: Orphanet 140162, MedGen C0027672, MeSH D009386, MONDO:0015356.

gnomAD v4.1: 1 of 1,613,244 alleles (0.000062%); no homozygotes.

Submissions (3):

Myriad Genetics, Inc.
Classification: Benign for Neurofibromatosis, type 1. Last evaluated: 2026-05-20. Review status: criteria provided, single submitter. Criteria: Myriad Autosomal Dominant, Autosomal Recessive and X-Linked Classification Criteria (2023). Collection method: clinical testing. Allele origin: unknown.
Comment: This variant is considered benign. This variant is a silent/synonymous amino acid change and it is not expected to impact splicing.

Labcorp Genetics (formerly Invitae), Labcorp
Classification: Likely benign for Neurofibromatosis, type 1. Last evaluated: 2024-05-23. Review status: criteria provided, single submitter. Criteria: Invitae Variant Classification Sherloc (09022015). Collection method: clinical testing. Allele origin: germline.

Ambry Genetics
Classification: Likely benign for Cardiovascular phenotype; Hereditary cancer-predisposing syndrome. Last evaluated: 2021-02-09. Review status: criteria provided, single submitter. Criteria: Ambry Variant Classification Scheme 2023. Collection method: clinical testing. Allele origin: germline.

NM_001042492.3(NF1):c.4755G>A (p.Lys1585=)

Gene: NF1 (neurofibromin 1; plus strand). Cytogenetic location: 17q11.2.
Variant type: single nucleotide variant.
Coding change: c.4755G>A on transcript NM_001042492.3 (MANE Select); coding-DNA position 4755, G replaced by A.
Protein change: p.Lys1585=; no amino-acid change (lysine 1585 retained).
Molecular consequence: synonymous variant.
Genome position (GRCh38, 1-based): chr17:31,265,259, G>A. VCF-style: chr17-31265259-G-A. GRCh37 (hg19) VCF-style: chr17-29592277-G-A.
Other names: c.4692G>A, p.Lys1564= (NM_000267.4).
Identifiers: ClinVar variation 1742488 (VCV001742488.8), dbSNP rs2151470090, ClinGen allele CA499234115.